The following is an entry in ClinVar:

NM_001875.5(CPS1):c.937A>G (p.Met313Val)

Gene: CPS1 (carbamoyl-phosphate synthase 1; plus strand). Cytogenetic location: 2q34.
Variant type: single nucleotide variant.
Coding change: c.937A>G on transcript NM_001875.5 (MANE Select); coding-DNA position 937, A replaced by G.
Protein change: p.Met313Val; replaces methionine 313 with valine.
Molecular consequence: missense variant. On other transcripts: non-coding transcript variant (1).
Genome position (GRCh38, 1-based): chr2:210,590,896, A>G. VCF-style: chr2-210590896-A-G. GRCh37 (hg19) VCF-style: chr2-211455620-A-G.
Other names: c.937A>G (LRG_336t1); c.937A>G, p.Met313Val (NM_001122633.3, NM_001369257.1); c.970A>G, p.Met324Val (NM_001369256.1); short protein forms M313V, M324V.
Identifiers: ClinVar variation 128853 (VCV000128853.13), dbSNP rs587780323, ClinGen allele CA231064.

ClinVar aggregate classification (germline): Conflicting classifications of pathogenicity. Review status: criteria provided, conflicting classifications (1 of 4 stars). 6 submissions from 6 submitters: Uncertain significance (5); Likely benign (1). Last evaluated 2025-05-12.

Conditions:
Congenital hyperammonemia, type I. Also called: Carbamoyl-phosphate synthase I deficiency; CPS I DEFICIENCY; Carbamoyl phosphate synthetase I deficiency disease; Carbamoyl phosphate synthetase 1 deficiency; Hyperammonemia due to carbamoyl phosphate synthetase 1 deficiency; CPS 1 deficiency. Identifiers: Orphanet 147, MedGen C4082171, MONDO:0009376, OMIM 237300.

Allele frequency attached by ClinVar (database versions not stated): ExAC 0.00001; gnomAD 0.00001; TOPMed 0.00001; gnomAD exomes 0.00002 and 0.00003.
gnomAD v4.1: 41 of 1,610,928 alleles (0.0025%); highest among the groups gnomAD compares: Middle Eastern, 0.033%; no homozygotes.

Submissions (6):

Labcorp Genetics (formerly Invitae), Labcorp
Classification: Uncertain significance for Congenital hyperammonemia, type I. Last evaluated: 2025-05-12. Review status: criteria provided, single submitter. Criteria: Invitae Variant Classification Sherloc (09022015). Collection method: clinical testing. Allele origin: germline.
Comment: This sequence change replaces methionine, which is neutral and non-polar, with valine, which is neutral and non-polar, at codon 313 of the CPS1 protein (p.Met313Val). This variant is present in population databases (rs587780323, gnomAD 0.003%). This variant has not been reported in the literature in individuals affected with CPS1-related conditions. ClinVar contains an entry for this variant (Variation ID: 128853). Invitae Evidence Modeling of protein sequence and biophysical properties (such as structural, functional, and spatial information, amino acid conservation, physicochemical variation, residue mobility, and thermodynamic stability) indicates that this missense variant is not expected to disrupt CPS1 protein function with a negative predictive value of 95%. In summary, the available evidence is currently insufficient to determine the role of this variant in disease. Therefore, it has been classified as a Variant of Uncertain Significance.

3billion
Classification: Likely benign for Congenital hyperammonemia, type I. Last evaluated: 2024-09-20. Review status: criteria provided, single submitter. Criteria: ACMG Guidelines, 2015. Collection method: clinical testing. Allele origin: germline. Affected: no.
Comment: The homozygous variant was found in patients diagnosed with another variant in a different gene, with no symptoms related to the gene containing the homozygous variant.

Dubai Health Genomic Medicine Center, Dubai Health
Classification: Uncertain significance for Congenital hyperammonemia, type I. Last evaluated: 2020-05-14. Review status: criteria provided, single submitter. Criteria: ACMG Guidelines, 2015. Collection method: clinical testing. Allele origin: germline. Affected: yes.

GeneDx
Classification: Uncertain significance. Last evaluated: 2019-07-23. Review status: criteria provided, single submitter. Criteria: GeneDx Variant Classification Process June 2021. Collection method: clinical testing. Allele origin: germline. Affected: yes.
Comment: The majority of missense variants in this gene are considered pathogenic (Stenson et al., 2014); In silico analysis, which includes protein predictors and evolutionary conservation, supports that this variant does not alter protein structure/function; Not observed at a significant frequency in large population cohorts (Lek et al., 2016); Has not been previously published as pathogenic or benign to our knowledge

Illumina Laboratory Services, Illumina
Classification: Uncertain significance for Congenital hyperammonemia, type I. Last evaluated: 2018-01-12. Review status: criteria provided, single submitter. Criteria: ICSL Variant Classification Criteria 13 December 2019. Collection method: clinical testing. Allele origin: germline.

Genetic Services Laboratory, University of Chicago
Classification: Uncertain significance. Last evaluated: 2014-03-06. Review status: criteria provided, single submitter. Criteria: ACMG Guidelines, 2007. Collection method: clinical testing. Allele origin: germline. Inheritance: Autosomal recessive inheritance.